The following is an entry in ClinVar:

NM_001958.5(EEF1A2):c.145-3C>T

Gene: EEF1A2 (eukaryotic translation elongation factor 1 alpha 2; minus strand). Cytogenetic location: 20q13.33.
Variant type: single nucleotide variant.
Coding change: c.145-3C>T on transcript NM_001958.5 (MANE Select); 3 bases into the intron before coding-DNA position 145, C replaced by T.
Molecular consequence: intron variant.
Genome position (GRCh38, 1-based): chr20:63,496,038, G>A on the plus strand (C>T on the coding strand, the complement: EEF1A2 is on the minus strand). VCF-style: chr20-63496038-G-A. GRCh37 (hg19) VCF-style: chr20-62127391-G-A.
Identifiers: ClinVar variation 2785731 (VCV002785731.3), dbSNP rs2516784773, ClinGen allele CA2739277243.

ClinVar aggregate classification (germline): Uncertain significance (1 of 4 stars; one submission).

Conditions:
Developmental and epileptic encephalopathy, 33 (DEE33). Also called: Epileptic encephalopathy, early infantile, 33. Identifiers: Orphanet 442835, MedGen C4225337, MONDO:0014625, OMIM 616409.

Submission:

Labcorp Genetics (formerly Invitae), Labcorp
Classification: Uncertain significance for Developmental and epileptic encephalopathy, 33. Last evaluated: 2023-12-23. Review status: criteria provided, single submitter. Criteria: Invitae Variant Classification Sherloc (09022015). Collection method: clinical testing. Allele origin: germline.
Comment: This sequence change falls in intron 2 of the EEF1A2 gene. It does not directly change the encoded amino acid sequence of the EEF1A2 protein. It affects a nucleotide within the consensus splice site. This variant is not present in population databases (gnomAD no frequency). This variant has not been reported in the literature in individuals affected with EEF1A2-related conditions. Variants that disrupt the consensus splice site are a relatively common cause of aberrant splicing (PMID: 17576681, 9536098). Algorithms developed to predict the effect of sequence changes on RNA splicing suggest that this variant is not likely to affect RNA splicing. In summary, the available evidence is currently insufficient to determine the role of this variant in disease. Therefore, it has been classified as a Variant of Uncertain Significance.

Literature cited by the submitters: PubMed 17576681; PubMed 9536098.